The following is an entry in ClinVar:

NM_000061.3(BTK):c.1468C>T (p.Arg490Cys)

Gene: BTK (Bruton tyrosine kinase; minus strand). Cytogenetic location: Xq22.1.
Variant type: single nucleotide variant.
Coding change: c.1468C>T on transcript NM_000061.3 (MANE Select); coding-DNA position 1468, C replaced by T.
Protein change: p.Arg490Cys; replaces arginine 490 with cysteine.
Molecular consequence: missense variant. On other transcripts: intron variant (1).
Genome position (GRCh38, 1-based): chrX:101,356,150, G>A on the plus strand (C>T on the coding strand, the complement: BTK is on the minus strand). VCF-style: chrX-101356150-G-A. GRCh37 (hg19) VCF-style: chrX-100611138-G-A.
Other names: c.1570C>T, p.Arg524Cys (NM_001287344.2); c.1039-1456C>T (NM_001287345.2); short protein forms R524C, R490C.
Identifiers: ClinVar variation 3004577 (VCV003004577.3), dbSNP rs868978699, ClinGen allele CA413923959.

ClinVar aggregate classification (germline): Uncertain significance (1 of 4 stars; one submission).

Conditions:
X-linked agammaglobulinemia with growth hormone deficiency (IGHD3). Also called: Isolated growth hormone deficiency type 3; Growth hormone deficiency with hypogammaglobulinemia; FLEISHER SYNDROME; HYPOGAMMAGLOBULINEMIA AND ISOLATED GROWTH HORMONE DEFICIENCY, X-LINKED; IGHD III; ISOLATED GROWTH HORMONE DEFICIENCY, TYPE III, WITH AGAMMAGLOBULINEMIA. Identifiers: Orphanet 231692, Orphanet 631, MedGen C0472813, MONDO:0010615, OMIM 307200.

Allele frequency attached by ClinVar (database versions not stated): gnomAD exomes below 0.00001.
gnomAD v4.1: 1 of 1,211,158 alleles (0.000083%); highest among the groups gnomAD compares: Non-Finnish European, 0.00011%; no homozygotes.

Submission:

Labcorp Genetics (formerly Invitae), Labcorp
Classification: Uncertain significance for X-linked agammaglobulinemia with growth hormone deficiency. Last evaluated: 2023-05-22. Review status: criteria provided, single submitter. Criteria: Invitae Variant Classification Sherloc (09022015). Collection method: clinical testing. Allele origin: germline.
Comment: In summary, the available evidence is currently insufficient to determine the role of this variant in disease. Therefore, it has been classified as a Variant of Uncertain Significance. Advanced modeling of protein sequence and biophysical properties (such as structural, functional, and spatial information, amino acid conservation, physicochemical variation, residue mobility, and thermodynamic stability) performed at Invitae indicates that this missense variant is not expected to disrupt BTK protein function. This variant has not been reported in the literature in individuals affected with BTK-related conditions. This variant is not present in population databases (gnomAD no frequency). This sequence change replaces arginine, which is basic and polar, with cysteine, which is neutral and slightly polar, at codon 490 of the BTK protein (p.Arg490Cys).